The following is an entry in ClinVar:

ClinVar aggregate classification (germline): Uncertain significance (1 of 4 stars; one submission).

Conditions:
Ullrich congenital muscular dystrophy 2 (UCMD2). Identifiers: Orphanet 75840, MedGen C4225314, MONDO:0014654, OMIM 616470.
Bethlem myopathy 2 (BTHLM2). Identifiers: Orphanet 536516, Orphanet 610, MedGen C4225313, MONDO:0034022, OMIM 616471.

Submission:

Labcorp Genetics (formerly Invitae), Labcorp
Classification: Uncertain significance for Bethlem myopathy 2; Ullrich congenital muscular dystrophy 2. Last evaluated: 2025-08-31. Review status: criteria provided, single submitter. Criteria: Invitae Variant Classification Sherloc (09022015). Collection method: clinical testing. Allele origin: germline.
Comment: This sequence change falls in intron 55 of the COL12A1 gene. It does not directly change the encoded amino acid sequence of the COL12A1 protein. This variant is not present in population databases (gnomAD no frequency). This variant has not been reported in the literature in individuals affected with COL12A1-related conditions. Algorithms developed to predict the effect of sequence changes on RNA splicing suggest that this variant may disrupt the consensus splice site. In summary, the available evidence is currently insufficient to determine the role of this variant in disease. Therefore, it has been classified as a Variant of Uncertain Significance.

NM_004370.6(COL12A1):c.8319+7A>C

Gene: COL12A1 (collagen type XII alpha 1 chain; minus strand). Cytogenetic location: 6q13.
Variant type: single nucleotide variant.
Coding change: c.8319+7A>C on transcript NM_004370.6 (MANE Select); 7 bases into the intron after coding-DNA position 8319, A replaced by C.
Molecular consequence: intron variant.
Genome position (GRCh38, 1-based): chr6:75,103,750, T>G on the plus strand (A>C on the coding strand, the complement: COL12A1 is on the minus strand). VCF-style: chr6-75103750-T-G. GRCh37 (hg19) VCF-style: chr6-75813466-T-G.
Other names: c.4827+7A>C (NM_001424116.1, NM_080645.3); c.8046+7A>C (NM_001424115.1); c.8298+7A>C (NM_001424114.1); c.8319+7A>C (NM_001424113.1).
Identifiers: ClinVar variation 4785966 (VCV004785966.1).